The following is an entry in ClinVar:

ClinVar aggregate classification (germline): Uncertain significance (1 of 4 stars; one submission).

Conditions:
Tuberous sclerosis 2 (TSC2). Identifiers: Orphanet 805, MedGen C1860707, MONDO:0013199, OMIM 613254.

Submission:

Labcorp Genetics (formerly Invitae), Labcorp
Classification: Uncertain significance for Tuberous sclerosis 2. Last evaluated: 2022-12-06. Review status: criteria provided, single submitter. Criteria: Invitae Variant Classification Sherloc (09022015). Collection method: clinical testing. Allele origin: germline.
Comment: In summary, the available evidence is currently insufficient to determine the role of this variant in disease. Therefore, it has been classified as a Variant of Uncertain Significance. Algorithms developed to predict the effect of sequence changes on RNA splicing suggest that this variant may disrupt the consensus splice site. This variant has not been reported in the literature in individuals affected with TSC2-related conditions. This variant is not present in population databases (gnomAD no frequency). This sequence change falls in intron 22 of the TSC2 gene. It does not directly change the encoded amino acid sequence of the TSC2 protein.

NM_000548.5(TSC2):c.2546-10A>T

Gene: TSC2 (TSC complex subunit 2; plus strand). Cytogenetic location: 16p13.3.
Variant type: single nucleotide variant.
Coding change: c.2546-10A>T on transcript NM_000548.5 (MANE Select); 10 bases into the intron before coding-DNA position 2546, A replaced by T.
Molecular consequence: intron variant.
Genome position (GRCh38, 1-based): chr16:2,075,789, A>T. VCF-style: chr16-2075789-A-T. GRCh37 (hg19) VCF-style: chr16-2125790-A-T.
Other names: c.2546-10A>T (NM_001114382.3, NM_021055.3, NM_001370405.1 and 3 more transcripts); c.2435-10A>T (NM_001318827.2); c.1946-10A>T (NM_001318831.2); c.2399-10A>T (NM_001318829.2); c.2579-10A>T (NM_001318832.2).
Identifiers: ClinVar variation 2137944 (VCV002137944.4), dbSNP rs551894111, ClinGen allele CA2580090848.